The following is an entry in ClinVar:

ClinVar aggregate classification (germline): Uncertain significance (1 of 4 stars; one submission).

Conditions:
Christianson syndrome (MRXSCH). Also called: X-linked mental retardation, syndromic, Christianson type; SLC9A6-Related Syndromic Mental Retardation; INTELLECTUAL DEVELOPMENTAL DISORDER, X-LINKED, SYNDROMIC, CHRISTIANSON TYPE. Identifiers: Orphanet 85278, MedGen C2678194, MONDO:0010278, OMIM 300243.

Submission:

Labcorp Genetics (formerly Invitae), Labcorp
Classification: Uncertain significance for Christianson syndrome. Last evaluated: 2021-05-18. Review status: criteria provided, single submitter. Criteria: Invitae Variant Classification Sherloc (09022015). Collection method: clinical testing. Allele origin: germline.
Comment: This variant results in a copy number gain of the genomic region encompassing exon(s) 1 of the SLC9A6 gene. This region includes the initiator codon of the gene. The 5' end of this event is unknown as it extends beyond the assayed region for this gene and therefore may encompass additional genes. The 3' boundary is likely confined to intron 1 of the SLC9A6 gene. As the precise location of this event is unknown, it may be in tandem or it may be located elsewhere in the genome. This variant has not been reported in the literature in individuals with SLC9A6-related conditions. In summary, the available evidence is currently insufficient to determine the role of this variant in disease. Therefore, it has been classified as a Variant of Uncertain Significance.

NC_000023.10:g.(?_135067662)_(135068006_?)dup

Gene: SLC9A6 (solute carrier family 9 member A6; plus strand). Cytogenetic location: Xq26.3.
Variant type: Duplication.
Identifiers: ClinVar variation 1411532 (VCV001411532.4).